The following is an entry in ClinVar:

ClinVar aggregate classification (germline): Uncertain significance. Review status: criteria provided, multiple submitters, no conflicts (2 of 4 stars). 2 submissions from 2 submitters: Uncertain significance (2). Last evaluated 2025-04-12.

Conditions:
Inborn genetic diseases. Identifiers: MedGen C0950123, MeSH D030342.

Allele frequency attached by ClinVar (database versions not stated): gnomAD exomes 0.00001.
gnomAD v4.1: 11 of 1,614,236 alleles (0.00068%); highest among the groups gnomAD compares: Non-Finnish European, 0.00093%; no homozygotes.

Submissions (2):

Ambry Genetics
Classification: Uncertain significance for Inborn genetic diseases. Last evaluated: 2025-04-12. Review status: criteria provided, single submitter. Criteria: Ambry Variant Classification Scheme 2023. Collection method: clinical testing. Allele origin: germline.

Labcorp Genetics (formerly Invitae), Labcorp
Classification: Uncertain significance. Last evaluated: 2022-10-18. Review status: criteria provided, single submitter. Criteria: Invitae Variant Classification Sherloc (09022015). Collection method: clinical testing. Allele origin: germline.
Comment: This sequence change replaces alanine, which is neutral and non-polar, with proline, which is neutral and non-polar, at codon 1151 of the CAMTA1 protein (p.Ala1151Pro). This variant is present in population databases (no rsID available, gnomAD 0.002%). This variant has not been reported in the literature in individuals affected with CAMTA1-related conditions. Algorithms developed to predict the effect of missense changes on protein structure and function are either unavailable or do not agree on the potential impact of this missense change (SIFT: "Deleterious"; PolyPhen-2: "Possibly Damaging"; Align-GVGD: "Class C0"). In summary, the available evidence is currently insufficient to determine the role of this variant in disease. Therefore, it has been classified as a Variant of Uncertain Significance.

NM_015215.4(CAMTA1):c.3451G>C (p.Ala1151Pro)

Gene: CAMTA1 (calmodulin binding transcription activator 1; plus strand). Cytogenetic location: 1p36.23.
Variant type: single nucleotide variant.
Coding change: c.3451G>C on transcript NM_015215.4 (MANE Select); coding-DNA position 3451, G replaced by C.
Protein change: p.Ala1151Pro; replaces alanine 1151 with proline.
Molecular consequence: missense variant.
Genome position (GRCh38, 1-based): chr1:7,737,363, G>C. VCF-style: chr1-7737363-G-C. GRCh37 (hg19) VCF-style: chr1-7797423-G-C.
Other names: c.3361G>C, p.Ala1121Pro (NM_001349608.2, NM_001349612.2); c.3451G>C, p.Ala1151Pro (NM_001349609.2, NM_001349610.2, NM_001410737.1); c.580G>C, p.Ala194Pro (NM_001349613.1); c.523G>C, p.Ala175Pro (NM_001349614.1, NM_001349615.2, NM_001349616.2 and 10 more transcripts); c.3379G>C, p.Ala1127Pro (NM_001410738.1); short protein forms A1127P, A1151P, A175P, A194P, A1121P.
Identifiers: ClinVar variation 1952788 (VCV001952788.7), dbSNP rs1313438106, ClinGen allele CA338128117.